The following is an entry in ClinVar:

GRCh37/hg19 11q13.4(chr11:70410130-70605728)x1

Gene: SHANK2 (SH3 and multiple ankyrin repeat domains 2; minus strand). Cytogenetic location: 11q13.4.
Variant type: copy number loss.
Change: copy number 1 (one copy instead of two) of chr11:70,410,130-70,605,728 (195.6 kb, GRCh37 coordinates, 1-based), cytogenetic band 11q13.4.
Identifiers: ClinVar variation 3391914 (VCV003391914.1).

ClinVar aggregate classification (germline): Pathogenic (1 of 4 stars; one submission).

Submission:

Quest Diagnostics Nichols Institute San Juan Capistrano
Classification: Pathogenic. Last evaluated: 2024-02-13. Review status: criteria provided, single submitter. Criteria: ACMG/ClinGen CNV Guidelines, 2019. Collection method: clinical testing. Allele origin: unknown.
Comment: This deletion involves exons 17-19 of SHANK2 (NM_012309.5; OMIM 603290), which is expected to result in a reading frame shift. Haploinsufficiency of SHANK2 is associated with complex neurodevelopmental disorder, including susceptibility to autism (AUTS17; OMIM 613436; HGNC:14295; Hassani 2022). Multiple studies have reported sequence variants and intragenic deletions of SHANK2 in individuals with neurodevelopmental phenotypes (Berkel 2010, Caumes 2020, Leblond 2012, Pinto 2010, Pinto 2014, Peykov 2015). There are no similar copy number losses of this region in the general populations of the Database of Genomic Variants. Thus, this CNV is classified as pathogenic. References: Berkel et al., Nat Genet. 2010 Jun;42(6):489-91. PMID: 20473310; Caumes et al., Eur J Med Genet. 2020 Dec;63(12):104072. PMID: 32987185; Hassani et al. Mol Psychiatry. 2022 Nov 30. PMID: 36450866; Leblond et al., PLoS Genet. 2012 Feb;8(2):e1002521. PMID: 22346768; Pinto et al., Am J Hum Genet. 2014 May 1;94(5):677-94. PMID: 24768552; Pinto et al., Nature. 2010 Jul 15;466(7304):368-72. PMID: 20531469; Peykov et al., Mol Psychiatry. 2015 Dec;20(12):1489-98. PMID: 25560758